The following is an entry in ClinVar:

NM_007294.4(BRCA1):c.134+3A>G

Gene: BRCA1 (BRCA1 DNA repair associated; minus strand). Cytogenetic location: 17q21.31.
Variant type: single nucleotide variant.
Coding change: c.134+3A>G on transcript NM_007294.4 (MANE Select); 3 bases into the intron after coding-DNA position 134, A replaced by G.
Molecular consequence: intron variant.
Genome position (GRCh38, 1-based): chr17:43,115,723, T>C on the plus strand (A>G on the coding strand, the complement: BRCA1 is on the minus strand). VCF-style: chr17-43115723-T-C. GRCh37 (hg19) VCF-style: chr17-41267740-T-C.
Other names: c.-8+3A>G (NM_001408458.1, NM_001408470.1, NM_001407848.1 and 47 more transcripts); c.-219+9554A>G (NM_001407967.1); c.-170+9554A>G (NM_001407959.1); c.-7-9190A>G (NM_001407931.1, NM_001407747.1, NM_001408511.1 and 2 more transcripts); c.-170+3A>G (NM_001407962.1, NM_001408512.1, NM_001408510.1 and 1 more transcripts); c.-55+3A>G (NM_001407885.1, NM_001407886.1, NM_001408509.1 and 52 more transcripts); c.-124+3A>G (NM_001407746.1, NM_001408468.1, NM_001407842.1 and 13 more transcripts); c.-8+8294A>G (NM_001408461.1, NM_001407738.1, NM_001407932.1 and 23 more transcripts); and 10 more.
Identifiers: ClinVar variation 433684 (VCV000433684.12), dbSNP rs80358064, ClinGen allele CA645373212.
Genomic context (GRCh38, chr17:43,115,723, plus strand): 5'-CCTGGGTTATGAAGGACAAAAACAAAAGCTAATAATGGAGCCACATAACACATTCAAACT[T>C]ACTTGCAAAATATGTGGTCACACTTTGTGGAGACAGGTTCCTTGATCAACTCCAGACTAG-3'

ClinVar aggregate classification (germline): Conflicting classifications of pathogenicity. Review status: criteria provided, conflicting classifications (1 of 4 stars). 3 submissions from 3 submitters: Uncertain significance (1); Likely benign (1). 1 of the submissions does not count toward it. Last evaluated 2026-02-12.

Conditions:
Hereditary breast ovarian cancer syndrome. Also called: Hereditary breast and ovarian cancer syndrome (HBOC); BRCA1- and BRCA2-Associated Hereditary Breast and Ovarian Cancer; Hereditary breast and/or ovarian cancer syndrome; Hereditary breast and ovarian cancer syndrome; Hereditary breast and ovarian cancer; Breast and ovarian cancer. Identifiers: Orphanet 145, MedGen C0677776, MeSH D061325, MONDO:0003582. Disease mechanism: loss of function.
Hereditary cancer-predisposing syndrome. Also called: Neoplastic Syndromes, Hereditary; Hereditary neoplastic syndrome; Tumor predisposition; Hereditary Cancer Syndrome. Identifiers: Orphanet 140162, MedGen C0027672, MeSH D009386, MONDO:0015356.
Malignant tumor of breast. Also called: Malignant breast neoplasm; Cancer breast. Identifiers: MedGen C0006142, MONDO:0007254. Disease mechanism: loss of function.

Submissions (4):

Ambry Genetics
Classification: Likely benign for Hereditary cancer-predisposing syndrome. Last evaluated: 2026-02-12. Review status: criteria provided, single submitter. Criteria: Ambry Variant Classification Scheme 2023. Collection method: clinical testing. Allele origin: germline.

Labcorp Genetics (formerly Invitae), Labcorp
Classification: Uncertain significance for Hereditary breast ovarian cancer syndrome. Last evaluated: 2024-04-30. Review status: criteria provided, single submitter. Criteria: Invitae Variant Classification Sherloc (09022015). Collection method: clinical testing. Allele origin: germline.
Comment: This sequence change falls in intron 3 of the BRCA1 gene. It does not directly change the encoded amino acid sequence of the BRCA1 protein. It affects a nucleotide within the consensus splice site. This variant is not present in population databases (gnomAD no frequency). This variant has not been reported in the literature in individuals affected with BRCA1-related conditions. ClinVar contains an entry for this variant (Variation ID: 433684). Variants that disrupt the consensus splice site are a relatively common cause of aberrant splicing (PMID: 17576681, 9536098). Studies have shown that this variant is associated with inconclusive levels of altered splicing (Invitae). This variant disrupts the c.134+3A nucleotide in the BRCA1 gene. Other variant(s) that disrupt this nucleotide have been determined to be pathogenic (PMID: 12402332, 12759930). This suggests that this nucleotide is clinically significant, and that variants that disrupt this position are likely to be disease-causing. In summary, the available evidence is currently insufficient to determine the role of this variant in disease. Therefore, it has been classified as a Variant of Uncertain Significance.

Brotman Baty Institute, University of Washington
No classification provided (evidence only). Condition: Breast-ovarian cancer, familial 1. Review status: no classification provided. Collection method: in vitro. Allele origin: not applicable. Functional consequence: functionally_normal. Not counted in ClinVar's aggregate classification.
ClinVar note: "not provided" was previously submitted as the classification for the variant. However, the classification appeared to be based only on an observation of functional data so it was converted to no classification on 2025-07-30.

Department of Pathology and Laboratory Medicine, Sinai Health System
Classification: Uncertain significance for Malignant tumor of breast. Review status: no assertion criteria provided. Collection method: clinical testing. Allele origin: unknown. Affected: yes. Study: The Canadian Open Genetics Repository (COGR). Not counted in ClinVar's aggregate classification.
Comment: The BRCA1 c.134+3A>G variant was not identified in the literature nor was it identified in the dbSNP, NHLBI Exome Sequencing Project (Exome Variant Server), Exome Aggregation Consortium (ExAC) database, HGMD, Clinvitae database , LOVD, COSMIC, the ClinVar database , GeneInsight COGR database, the BIC database and UMD. The c.134+3A>G variant is located in the 5' splice region but does not affect the invariant +1 and +2 positions. However, positions +3 to +6 are part of the splicing consensus sequence and variants involving these positions sometimes affect splicing. In addition, 2 of 5 in silico or computational prediction software programs (SpliceSiteFinder, MaxEntScan, NNSPLICE, GeneSplicer, HumanSpliceFinder) predict a greater than 10% difference in splicing; this is not very predictive of pathogenicity. In summary, based on the above information, the clinical significance of this variant cannot be determined with certainty at this time. This variant is classified as a variant of unknown significance.

Literature cited by the submitters: PubMed 30209399 (cited by Ambry Genetics); PubMed 17576681 (cited by Labcorp Genetics (formerly Invitae), Labcorp); PubMed 9536098 (cited by Labcorp Genetics (formerly Invitae), Labcorp); PubMed 12402332 (cited by Labcorp Genetics (formerly Invitae), Labcorp); PubMed 12759930 (cited by Labcorp Genetics (formerly Invitae), Labcorp).